The following is an entry in ClinVar:

ClinVar aggregate classification (germline): Uncertain significance (1 of 4 stars; one submission).

Allele frequency attached by ClinVar (database versions not stated): gnomAD 0.00001; gnomAD exomes 0.00001 and 0.00002; TOPMed 0.00001; ExAC 0.00004.
gnomAD v4.1: 10 of 1,607,730 alleles (0.00062%); highest among the groups gnomAD compares: South Asian, 0.01%; no homozygotes.

Submission:

Labcorp Genetics (formerly Invitae), Labcorp
Classification: Uncertain significance. Last evaluated: 2022-02-03. Review status: criteria provided, single submitter. Criteria: Invitae Variant Classification Sherloc (09022015). Collection method: clinical testing. Allele origin: germline.
Comment: In summary, the available evidence is currently insufficient to determine the role of this variant in disease. Therefore, it has been classified as a Variant of Uncertain Significance. Algorithms developed to predict the effect of missense changes on protein structure and function are either unavailable or do not agree on the potential impact of this missense change (SIFT: "Deleterious"; PolyPhen-2: "Probably Damaging"; Align-GVGD: "Class C0"). This variant has not been reported in the literature in individuals affected with RELB-related conditions. The frequency data for this variant in the population databases is considered unreliable, as metrics indicate poor data quality at this position in the gnomAD database. This sequence change replaces threonine, which is neutral and polar, with methionine, which is neutral and non-polar, at codon 396 of the RELB protein (p.Thr396Met).

NM_006509.4(RELB):c.1187C>T (p.Thr396Met)

Gene: RELB (RELB proto-oncogene, NF-kB subunit; plus strand). Cytogenetic location: 19q13.32.
Variant type: single nucleotide variant.
Coding change: c.1187C>T on transcript NM_006509.4 (MANE Select); coding-DNA position 1187, C replaced by T.
Protein change: p.Thr396Met; replaces threonine 396 with methionine.
Molecular consequence: missense variant.
Genome position (GRCh38, 1-based): chr19:45,032,729, C>T. VCF-style: chr19-45032729-C-T. GRCh37 (hg19) VCF-style: chr19-45535987-C-T.
Other names: short protein forms T396M.
Identifiers: ClinVar variation 1505185 (VCV001505185.8), dbSNP rs770682728, ClinGen allele CA9507760.